The following is an entry in ClinVar:

NM_018975.4(TERF2IP):c.322G>A (p.Asp108Asn)

Gene: TERF2IP (TERF2 interacting protein; plus strand). Cytogenetic location: 16q23.1.
Variant type: single nucleotide variant.
Coding change: c.322G>A on transcript NM_018975.4 (MANE Select); coding-DNA position 322, G replaced by A.
Protein change: p.Asp108Asn; replaces aspartic acid 108 with asparagine.
Molecular consequence: missense variant. On other transcripts: non-coding transcript variant (1).
Genome position (GRCh38, 1-based): chr16:75,648,204, G>A. VCF-style: chr16-75648204-G-A. GRCh37 (hg19) VCF-style: chr16-75682102-G-A.
Other names: short protein forms D108N.
Identifiers: ClinVar variation 2625597 (VCV002625597.2), dbSNP rs2082317218, ClinGen allele CA396817664.

ClinVar aggregate classification (germline): Uncertain significance (1 of 4 stars; one submission).

Submission:

Ambry Genetics
Classification: Uncertain significance. Last evaluated: 2023-09-07. Review status: criteria provided, single submitter. Criteria: Ambry Variant Classification Scheme 2023. Collection method: clinical testing. Allele origin: germline.
Comment: The p.D108N variant (also known as c.322G>A), located in coding exon 1 of the TERF2IP gene, results from a G to A substitution at nucleotide position 322. The aspartic acid at codon 108 is replaced by asparagine, an amino acid with highly similar properties. This amino acid position is conserved. In addition, this alteration is predicted to be tolerated by in silico analysis. Since supporting evidence is limited at this time, the clinical significance of this alteration remains unclear.